The following is an entry in ClinVar:

NM_024769.5(CLMP):c.542C>T (p.Pro181Leu)

Genes: CLMP (CXADR like cell adhesion molecule; minus strand), LOC112042785 (Sharpr-MPRA regulatory region 9139; plus strand). Cytogenetic location: 11q24.1.
Variant type: single nucleotide variant.
Coding change: c.542C>T on transcript NM_024769.5 (MANE Select); coding-DNA position 542, C replaced by T.
Protein change: p.Pro181Leu; replaces proline 181 with leucine.
Molecular consequence: missense variant.
Genome position (GRCh38, 1-based): chr11:123,083,694, G>A on the plus strand (C>T on the coding strand, the complement: CLMP is on the minus strand). VCF-style: chr11-123083694-G-A. GRCh37 (hg19) VCF-style: chr11-122954402-G-A.
Other names: short protein forms P181L.
Identifiers: ClinVar variation 4615954 (VCV004615954.2).

ClinVar aggregate classification (germline): Uncertain significance. Review status: criteria provided, multiple submitters, no conflicts (2 of 4 stars). 2 submissions from 2 submitters: Uncertain significance (2). Last evaluated 2026-08-06.

Conditions:
Inborn genetic diseases. Identifiers: MedGen C0950123, MeSH D030342.

Submissions (2):

OLLIN Analises Genomicas, OLLIN
Classification: Uncertain significance. Last evaluated: 2026-08-06. Review status: criteria provided, single submitter. Criteria: ACMG Guidelines 2015 PMID 25741868. Collection method: clinical testing. Allele origin: germline.
Comment: This missense variant, located in exon 4 (of 7), has been observed in gnomAD with an allele frequency of 0.0012%, but has not been reported in ClinVar or identified in the literature. In silico analysis predicts that this variant has a tolerated effect. According to the currently available evidence, this variant has been classified as uncertain significance (PM2_P, BP4_M).

Ambry Genetics
Classification: Uncertain significance for Inborn genetic diseases. Last evaluated: 2025-11-12. Review status: criteria provided, single submitter. Criteria: Ambry Variant Classification Scheme 2023. Collection method: clinical testing. Allele origin: germline.